The following is an entry in ClinVar:

ClinVar aggregate classification (germline): Uncertain significance (1 of 4 stars; one submission).

Conditions:
Familial temporal lobe epilepsy 7. Identifiers: Orphanet 101046, MedGen C4225327, MONDO:0014639, OMIM 616436.
Norman-Roberts syndrome (LIS2). Also called: Lissencephaly 2 (Norman-Roberts type). Identifiers: Orphanet 89844, MedGen C0796089, MONDO:0009760, OMIM 257320.

Submission:

Labcorp Genetics (formerly Invitae), Labcorp
Classification: Uncertain significance for Familial temporal lobe epilepsy 7; Norman-Roberts syndrome. Last evaluated: 2023-10-13. Review status: criteria provided, single submitter. Criteria: Invitae Variant Classification Sherloc (09022015). Collection method: clinical testing. Allele origin: germline.
Comment: This sequence change replaces lysine, which is basic and polar, with threonine, which is neutral and polar, at codon 1935 of the RELN protein (p.Lys1935Thr). This variant is not present in population databases (gnomAD no frequency). This variant has not been reported in the literature in individuals affected with RELN-related conditions. ClinVar contains an entry for this variant (Variation ID: 1005521). Advanced modeling of protein sequence and biophysical properties (such as structural, functional, and spatial information, amino acid conservation, physicochemical variation, residue mobility, and thermodynamic stability) performed at Invitae indicates that this missense variant is not expected to disrupt RELN protein function. In summary, the available evidence is currently insufficient to determine the role of this variant in disease. Therefore, it has been classified as a Variant of Uncertain Significance.

NM_005045.4(RELN):c.5804A>C (p.Lys1935Thr)

Gene: RELN (reelin; minus strand). Cytogenetic location: 7q22.1.
Variant type: single nucleotide variant.
Coding change: c.5804A>C on transcript NM_005045.4 (MANE Select); coding-DNA position 5804, A replaced by C.
Protein change: p.Lys1935Thr; replaces lysine 1935 with threonine.
Molecular consequence: missense variant.
Genome position (GRCh38, 1-based): chr7:103,553,825, T>G on the plus strand (A>C on the coding strand, the complement: RELN is on the minus strand). VCF-style: chr7-103553825-T-G. GRCh37 (hg19) VCF-style: chr7-103194272-T-G.
Other names: c.5804A>C, p.Lys1935Thr (NM_173054.3); short protein forms K1935T.
Identifiers: ClinVar variation 1005521 (VCV001005521.8), dbSNP rs1830467705, ClinGen allele CA368740480.